The following is an entry in ClinVar:

NM_013382.7(POMT2):c.85G>T (p.Ala29Ser)

Gene: POMT2 (protein O-mannosyltransferase 2; minus strand). Cytogenetic location: 14q24.3.
Variant type: single nucleotide variant.
Coding change: c.85G>T on transcript NM_013382.7 (MANE Select); coding-DNA position 85, G replaced by T.
Protein change: p.Ala29Ser; replaces alanine 29 with serine.
Molecular consequence: missense variant.
Genome position (GRCh38, 1-based): chr14:77,320,597, C>A on the plus strand (G>T on the coding strand, the complement: POMT2 is on the minus strand). VCF-style: chr14-77320597-C-A. GRCh37 (hg19) VCF-style: chr14-77786940-C-A.
Other names: short protein forms A29S.
Identifiers: ClinVar variation 2147334 (VCV002147334.5), dbSNP rs760784558, ClinGen allele CA7286281.

ClinVar aggregate classification (germline): Uncertain significance. Review status: criteria provided, multiple submitters, no conflicts (2 of 4 stars). 2 submissions from 2 submitters: Uncertain significance (2). Last evaluated 2024-09-23.

Conditions:
Muscular dystrophy-dystroglycanopathy (congenital with brain and eye anomalies), type A2. Also called: MUSCULAR DYSTROPHY-DYSTROGLYCANOPATHY (CONGENITAL WITH BRAIN AND EYE ANOMALIES), TYPE A, 2; WALKER-WARBURG SYNDROME OR MUSCLE-EYE-BRAIN DISEASE, POMT2-RELATED. Identifiers: Orphanet 588, Orphanet 899, MedGen C3150411, MONDO:0013154, OMIM 613150.
Autosomal recessive limb-girdle muscular dystrophy type 2N. Also called: MUSCULAR DYSTROPHY-DYSTROGLYCANOPATHY, LIMB-GIRDLE, POMT2-RELATED; Muscular dystrophy-dystroglycanopathy (limb-girdle), type C, 2. Identifiers: Orphanet 206559, MedGen C3150418, MONDO:0013162, OMIM 613158.
Muscular dystrophy-dystroglycanopathy (congenital with impaired intellectual development), type B, 2. Also called: Muscular dystrophy-dystroglycanopathy (congenital with intellectual disability), type B2; MUSCULAR DYSTROPHY, CONGENITAL, POMT2-RELATED. Identifiers: MedGen C3150416, MONDO:0013160, OMIM 613156.
Inborn genetic diseases. Identifiers: MedGen C0950123, MeSH D030342.

Allele frequency attached by ClinVar (database versions not stated): TOPMed below 0.00001; ExAC 0.00007.

Submissions (2):

Labcorp Genetics (formerly Invitae), Labcorp
Classification: Uncertain significance for Muscular dystrophy-dystroglycanopathy (congenital with impaired intellectual development), type B, 2; Muscular dystrophy-dystroglycanopathy (congenital with brain and eye anomalies), type A2; Autosomal recessive limb-girdle muscular dystrophy type 2N. Last evaluated: 2024-09-23. Review status: criteria provided, single submitter. Criteria: Invitae Variant Classification Sherloc (09022015). Collection method: clinical testing. Allele origin: germline.
Comment: This sequence change replaces alanine, which is neutral and non-polar, with serine, which is neutral and polar, at codon 29 of the POMT2 protein (p.Ala29Ser). This variant is present in population databases (rs760784558, gnomAD 0.02%). This variant has not been reported in the literature in individuals affected with POMT2-related conditions. ClinVar contains an entry for this variant (Variation ID: 2147334). An algorithm developed to predict the effect of missense changes on protein structure and function (PolyPhen-2) suggests that this variant is likely to be tolerated. In summary, the available evidence is currently insufficient to determine the role of this variant in disease. Therefore, it has been classified as a Variant of Uncertain Significance.

Ambry Genetics
Classification: Uncertain significance for Inborn genetic diseases. Last evaluated: 2024-01-08. Review status: criteria provided, single submitter. Criteria: Ambry Variant Classification Scheme 2023. Collection method: clinical testing. Allele origin: germline.